The following is an entry in ClinVar:

NM_031935.3(HMCN1):c.14177G>A (p.Gly4726Asp)

Gene: HMCN1 (hemicentin 1; plus strand). Cytogenetic location: 1q31.1.
Variant type: single nucleotide variant.
Coding change: c.14177G>A on transcript NM_031935.3 (MANE Select); coding-DNA position 14177, G replaced by A.
Protein change: p.Gly4726Asp; replaces glycine 4726 with aspartic acid.
Molecular consequence: missense variant.
Genome position (GRCh38, 1-based): chr1:186,144,614, G>A. VCF-style: chr1-186144614-G-A. GRCh37 (hg19) VCF-style: chr1-186113746-G-A.
Other names: c.14177G>A (NM_031935.2); short protein forms G4726D.
Identifiers: ClinVar variation 2723023 (VCV002723023.4), dbSNP rs149329415, ClinGen allele CA1294875.
Genomic context (GRCh38, chr1:186,144,614, plus strand): 5'-GGGCCAGTTGGAGTGCCTGTTCTGTGTCATGTGGAGGAGGTGCCAGACAGAGAACAAGGG[G>A]CTGCTCCGACCCTGTGCCCCAGTATGGAGGAAGGAAATGCGAAGGGAGTGATGTCCAGAG-3'
Protein context (NP_114141.2, residues 4716-4736): CGGGARQRTR[Gly4726Asp]CSDPVPQYGG

ClinVar aggregate classification (germline): Conflicting classifications of pathogenicity. Review status: criteria provided, conflicting classifications (1 of 4 stars). 2 submissions from 2 submitters: Uncertain significance (1); Likely benign (1). Last evaluated 2024-10-12.

Allele frequency attached by ClinVar (database versions not stated): gnomAD exomes 0.00001; ExAC 0.00004; TOPMed 0.00006; gnomAD 0.00009; ESP Exome Variant Server 0.00015.
gnomAD v4.1: 25 of 1,614,120 alleles (0.0015%); highest among the groups gnomAD compares: African/African-American, 0.025%; no homozygotes.

Submissions (2):

Ambry Genetics
Classification: Likely benign. Last evaluated: 2024-10-12. Review status: criteria provided, single submitter. Criteria: Ambry Variant Classification Scheme 2023. Collection method: clinical testing. Allele origin: germline.

Labcorp Genetics (formerly Invitae), Labcorp
Classification: Uncertain significance. Last evaluated: 2024-03-21. Review status: criteria provided, single submitter. Criteria: Invitae Variant Classification Sherloc (09022015). Collection method: clinical testing. Allele origin: germline.
Comment: This sequence change replaces glycine, which is neutral and non-polar, with aspartic acid, which is acidic and polar, at codon 4726 of the HMCN1 protein (p.Gly4726Asp). This variant is present in population databases (rs149329415, gnomAD 0.02%). This variant has not been reported in the literature in individuals affected with HMCN1-related conditions. Algorithms developed to predict the effect of missense changes on protein structure and function output the following: SIFT: "Not Available"; PolyPhen-2: "Benign"; Align-GVGD: "Not Available". The aspartic acid amino acid residue is found in multiple mammalian species, which suggests that this missense change does not adversely affect protein function. In summary, the available evidence is currently insufficient to determine the role of this variant in disease. Therefore, it has been classified as a Variant of Uncertain Significance.